The following is an entry in ClinVar:

NM_004656.4(BAP1):c.1054C>G (p.Pro352Ala)

Gene: BAP1 (BRCA1 associated deubiquitinase 1; minus strand). Cytogenetic location: 3p21.1.
Variant type: single nucleotide variant.
Coding change: c.1054C>G on transcript NM_004656.4 (MANE Select); coding-DNA position 1054, C replaced by G.
Protein change: p.Pro352Ala; replaces proline 352 with alanine.
Molecular consequence: missense variant.
Genome position (GRCh38, 1-based): chr3:52,405,172, G>C on the plus strand (C>G on the coding strand, the complement: BAP1 is on the minus strand). VCF-style: chr3-52405172-G-C. GRCh37 (hg19) VCF-style: chr3-52439188-G-C.
Other names: c.1000C>G, p.Pro334Ala (NM_001410772.1); short protein forms P352A, P334A.
Identifiers: ClinVar variation 3819409 (VCV003819409.1).

ClinVar aggregate classification (germline): Uncertain significance (1 of 4 stars; one submission).

Conditions:
Hereditary cancer-predisposing syndrome. Also called: Hereditary neoplastic syndrome; Neoplastic Syndromes, Hereditary; Tumor predisposition; Hereditary Cancer Syndrome. Identifiers: Orphanet 140162, MedGen C0027672, MeSH D009386, MONDO:0015356.

Submission:

Ambry Genetics
Classification: Uncertain significance for Hereditary cancer-predisposing syndrome. Last evaluated: 2025-03-10. Review status: criteria provided, single submitter. Criteria: Ambry Variant Classification Scheme 2023. Collection method: clinical testing. Allele origin: germline.
Comment: The p.P352A variant (also known as c.1054C>G), located in coding exon 11 of the BAP1 gene, results from a C to G substitution at nucleotide position 1054. The proline at codon 352 is replaced by alanine, an amino acid with highly similar properties. This amino acid position is conserved. In addition, this alteration is predicted to be tolerated by in silico analysis. Based on the available evidence, the clinical significance of this variant remains unclear.